The following is an entry in ClinVar:

ClinVar aggregate classification (germline): Uncertain significance (1 of 4 stars; one submission).

Conditions:
Ichthyosis linearis circumflexa. Identifiers: MedGen C0265962, MONDO:0043106, HP:0025810.

Submission:

Labcorp Genetics (formerly Invitae), Labcorp
Classification: Uncertain significance for Ichthyosis linearis circumflexa. Last evaluated: 2022-05-22. Review status: criteria provided, single submitter. Criteria: Invitae Variant Classification Sherloc (09022015). Collection method: clinical testing. Allele origin: germline.
Comment: In summary, the available evidence is currently insufficient to determine the role of this variant in disease. Therefore, it has been classified as a Variant of Uncertain Significance. Algorithms developed to predict the effect of missense changes on protein structure and function are either unavailable or do not agree on the potential impact of this missense change (SIFT: "Deleterious"; PolyPhen-2: "Probably Damaging"; Align-GVGD: "Class C0"). This variant has not been reported in the literature in individuals affected with SPINK5-related conditions. This variant is not present in population databases (gnomAD no frequency). This sequence change replaces glutamic acid, which is acidic and polar, with valine, which is neutral and non-polar, at codon 513 of the SPINK5 protein (p.Glu513Val).

NM_006846.4(SPINK5):c.1538A>T (p.Glu513Val)

Gene: SPINK5 (serine peptidase inhibitor Kazal type 5; plus strand). Cytogenetic location: 5q32.
Variant type: single nucleotide variant.
Coding change: c.1538A>T on transcript NM_006846.4 (MANE Select); coding-DNA position 1538, A replaced by T.
Protein change: p.Glu513Val; replaces glutamic acid 513 with valine.
Molecular consequence: missense variant.
Genome position (GRCh38, 1-based): chr5:148,107,095, A>T. VCF-style: chr5-148107095-A-T. GRCh37 (hg19) VCF-style: chr5-147486658-A-T.
Other names: c.1538A>T, p.Glu513Val (NM_001127698.2, NM_001127699.2); short protein forms E513V.
Identifiers: ClinVar variation 1998084 (VCV001998084.4), dbSNP rs2531748127, ClinGen allele CA361639204.